The following is an entry in ClinVar:

NM_022436.3(ABCG5):c.785A>G (p.Lys262Arg)

Genes: ABCG5 (ATP binding cassette subfamily G member 5; minus strand), DYNC2LI1 (dynein cytoplasmic 2 light intermediate chain 1; plus strand). Cytogenetic location: 2p21.
Variant type: single nucleotide variant.
Coding change: c.785A>G on transcript NM_022436.3 (MANE Select); coding-DNA position 785, A replaced by G.
Protein change: p.Lys262Arg; replaces lysine 262 with arginine.
Molecular consequence: missense variant. On other transcripts: intron variant (2).
Genome position (GRCh38, 1-based): chr2:43,825,008, T>C on the plus strand (A>G on the coding strand, the complement: ABCG5 is on the minus strand). VCF-style: chr2-43825008-T-C. GRCh37 (hg19) VCF-style: chr2-44052147-T-C.
Other names: p.Lys262Arg; c.*16-2378T>C (NM_001348913.2, NM_001348912.2); short protein forms K262R.
Identifiers: ClinVar variation 336048 (VCV000336048.22), dbSNP rs78070897, ClinGen allele CA1636506.

ClinVar aggregate classification (germline): Benign. Review status: criteria provided, multiple submitters, no conflicts (2 of 4 stars). 7 submissions from 7 submitters: Benign (7). Last evaluated 2026-02-02.

Conditions:
Sitosterolemia 1. Identifiers: MedGen C2749759, MONDO:0020747, OMIM 210250.
Cardiovascular phenotype. Identifiers: MedGen CN230736.
Sitosterolemia (STSL). Also called: PHYTOSTEROLEMIA. Identifiers: Orphanet 2882, MedGen C0342907, MONDO:0008863.

Allele frequency attached by ClinVar (database versions not stated): gnomAD 0.01647 and 0.01539; gnomAD exomes 0.00399 and 0.00152; ESP Exome Variant Server 0.01922; TOPMed 0.01701; 1000 Genomes Project 0.02097; 1000 Genomes Project 30x 0.02139; ExAC 0.00520.
gnomAD v4.1: 4,645 of 1,613,810 alleles (0.29%); highest among the groups gnomAD compares: African/African-American, 5.5%; 116 homozygotes.

Submissions (9):

Labcorp Genetics (formerly Invitae), Labcorp
Classification: Benign for Sitosterolemia. Last evaluated: 2026-02-02. Review status: criteria provided, single submitter. Criteria: Invitae Variant Classification Sherloc (09022015). Collection method: clinical testing. Allele origin: germline.

Women's Health and Genetics/Laboratory Corporation of America, LabCorp
Classification: Benign. Last evaluated: 2024-06-18. Review status: criteria provided, single submitter. Criteria: LabCorp Variant Classification Summary - May 2015. Collection method: clinical testing. Allele origin: germline.
Comment: Variant summary: ABCG5 c.785A>G (p.Lys262Arg) results in a conservative amino acid change located in the ABC transporter-like, ATP-binding domain (IPR003439) of the encoded protein sequence. Four of five in-silico tools predict a benign effect of the variant on protein function. The variant allele was found at a frequency of 0.004 in 250964 control chromosomes, predominantly at a frequency of 0.055 within the African or African-American subpopulation in the gnomAD database, including 18 homozygotes. The observed variant frequency within African or African-American control individuals in the gnomAD database is approximately 11 fold of the estimated maximal expected allele frequency for a pathogenic variant in ABCG5 causing Early Onset Coronary Artery Disease phenotype (0.005). To our knowledge, no occurrence of c.785A>G in individuals affected with Early Onset Coronary Artery Disease and no experimental evidence demonstrating its impact on protein function have been reported. ClinVar contains an entry for this variant (Variation ID: 336048). Based on the evidence outlined above, the variant was classified as benign.

Mayo Clinic Laboratories, Mayo Clinic
Classification: Benign. Last evaluated: 2023-09-24. Review status: criteria provided, single submitter. Criteria: ACMG Guidelines, 2015. Collection method: clinical testing. Allele origin: germline. Observed: 39 variant alleles.

Ambry Genetics
Classification: Benign for Cardiovascular phenotype. Last evaluated: 2019-07-05. Review status: criteria provided, single submitter. Criteria: Ambry Variant Classification Scheme 2023. Collection method: clinical testing. Allele origin: germline.

GeneDx
Classification: Benign. Last evaluated: 2018-07-09. Review status: criteria provided, single submitter. Criteria: GeneDx Variant Classification Process June 2021. Collection method: clinical testing. Allele origin: germline. Affected: yes.

Illumina Laboratory Services, Illumina
Classification: Benign for Sitosterolemia 1. Last evaluated: 2018-01-13. Review status: criteria provided, single submitter. Criteria: ICSL Variant Classification Criteria 13 December 2019. Collection method: clinical testing. Allele origin: germline.
Comment: This variant was observed in the ICSL laboratory as part of a predisposition screen in an ostensibly healthy population. It had not been previously curated by ICSL or reported in the Human Gene Mutation Database (HGMD: prior to June 1st, 2018), and was therefore a candidate for classification through an automated scoring system. Utilizing variant allele frequency, disease prevalence and penetrance estimates, and inheritance mode, an automated score was calculated to assess if this variant is too frequent to cause the disease. Based on the score and internal cut-off values, a variant classified as benign is not then subjected to further curation. The score for this variant resulted in a classification of benign for this disease.

Breakthrough Genomics
Classification: Benign. Review status: criteria provided, single submitter. Criteria: ACMG Guidelines, 2015. Collection method: not provided. Allele origin: germline. Inheritance: Autosomal recessive inheritance. Affected: yes.

Dr. Peter K. Rogan Lab, Western University
No classification provided (evidence only). Condition: Sarcoma. Review status: no classification provided. Collection method: in vitro. Allele origin: not applicable. Functional consequence: retained intron. Not counted in ClinVar's aggregate classification.

Dr. Peter K. Rogan Lab, Western University
No classification provided (evidence only). Condition: Malignant tumor of esophagus. Review status: no classification provided. Collection method: in vitro. Allele origin: not applicable. Functional consequence: retained intron. Not counted in ClinVar's aggregate classification.